The following is an entry in ClinVar:

ClinVar aggregate classification (germline): Uncertain significance (1 of 4 stars; one submission).

Allele frequency attached by ClinVar (database versions not stated): gnomAD exomes below 0.00001; TOPMed 0.00001.
gnomAD v4.1: 1 of 1,614,084 alleles (0.000062%); highest among the groups gnomAD compares: Non-Finnish European, 0.000085%; no homozygotes.

Submission:

Labcorp Genetics (formerly Invitae), Labcorp
Classification: Uncertain significance. Last evaluated: 2022-05-29. Review status: criteria provided, single submitter. Criteria: Invitae Variant Classification Sherloc (09022015). Collection method: clinical testing. Allele origin: germline.
Comment: In summary, the available evidence is currently insufficient to determine the role of this variant in disease. Therefore, it has been classified as a Variant of Uncertain Significance. Variants that disrupt the consensus splice site are a relatively common cause of aberrant splicing (PMID: 17576681, 9536098). Algorithms developed to predict the effect of sequence changes on RNA splicing suggest that this variant may disrupt the consensus splice site. This variant has not been reported in the literature in individuals affected with TEAD1-related conditions. This variant is not present in population databases (gnomAD no frequency). This sequence change falls in intron 11 of the TEAD1 gene. It does not directly change the encoded amino acid sequence of the TEAD1 protein. It affects a nucleotide within the consensus splice site.

Literature cited by the submitters: PubMed 17576681; PubMed 9536098.

NM_021961.6(TEAD1):c.1015-3C>T

Gene: TEAD1 (TEA domain transcription factor 1; plus strand). Cytogenetic location: 11p15.3.
Variant type: single nucleotide variant.
Coding change: c.1015-3C>T on transcript NM_021961.6 (MANE Select); 3 bases into the intron before coding-DNA position 1015, C replaced by T.
Molecular consequence: intron variant.
Genome position (GRCh38, 1-based): chr11:12,930,171, C>T. VCF-style: chr11-12930171-C-T. GRCh37 (hg19) VCF-style: chr11-12951718-C-T.
Identifiers: ClinVar variation 1900034 (VCV001900034.5), dbSNP rs1948989265, ClinGen allele CA1953060604.